The following is an entry in ClinVar:

NM_019066.5(MAGEL2):c.190G>T (p.Ala64Ser)

Gene: MAGEL2 (MAGE family member L2; minus strand). Cytogenetic location: 15q11.2.
Variant type: single nucleotide variant.
Coding change: c.190G>T on transcript NM_019066.5 (MANE Select); coding-DNA position 190, G replaced by T.
Protein change: p.Ala64Ser; replaces alanine 64 with serine.
Molecular consequence: missense variant.
Genome position (GRCh38, 1-based): chr15:23,647,553, C>A on the plus strand (G>T on the coding strand, the complement: MAGEL2 is on the minus strand). VCF-style: chr15-23647553-C-A. GRCh37 (hg19) VCF-style: chr15-23892700-C-A.
Other names: short protein forms A64S.
Identifiers: ClinVar variation 4983434 (VCV004983434.1).
Genomic context (GRCh38, chr15:23,647,553, plus strand): 5'-CAGGAGGCTGGGTCATCGGAACCACCGGGGCGGGCAGCTGGCCCTGTGGGGCCTCCCAGG[C>A]AGGCTGAGGTGCCTGCCAAGCGGCCAATGAAGCCTGCAAGTCAATTGGAGGTGGATCCCA-3'
Protein context (NP_061939.3, residues 54-74): SLAAWQAPQP[Ala64Ser]WEAPQGQLPA

ClinVar aggregate classification (germline): Uncertain significance (1 of 4 stars; one submission).

Conditions:
MAGEL2-related disorder. Also called: MAGEL2-related condition.

gnomAD v4.1: 1 of 1,533,742 alleles (0.000065%); highest among the groups gnomAD compares: Non-Finnish European, 0.000087%; no homozygotes.

Submission:

PreventionGenetics, part of Exact Sciences
Classification: Uncertain significance for MAGEL2-related condition. Last evaluated: 2025-05-25. Review status: criteria provided, single submitter. Criteria: ACMG Guidelines, 2015. Collection method: clinical testing. Allele origin: germline.
Comment: The MAGEL2 c.190G>T variant is predicted to result in the amino acid substitution p.Ala64Ser. To our knowledge, this variant has not been reported in the literature or in a large population database (gnomAD), indicating this variant is rare. At this time, the clinical significance of this variant is uncertain due to the absence of conclusive functional and genetic evidence.